The following is an entry in ClinVar:

NM_020297.4(ABCC9):c.337G>A (p.Val113Ile)

Gene: ABCC9 (ATP binding cassette subfamily C member 9; minus strand). Cytogenetic location: 12p12.1.
Variant type: single nucleotide variant.
Coding change: c.337G>A on transcript NM_020297.4 (MANE Select); coding-DNA position 337, G replaced by A.
Protein change: p.Val113Ile; replaces valine 113 with isoleucine.
Molecular consequence: missense variant. On other transcripts: 5 prime UTR variant (1).
Genome position (GRCh38, 1-based): chr12:21,926,011, C>T on the plus strand (G>A on the coding strand, the complement: ABCC9 is on the minus strand). VCF-style: chr12-21926011-C-T. GRCh37 (hg19) VCF-style: chr12-22078945-C-T.
Other names: c.337G>A, p.Val113Ile (NM_001377273.1, NM_005691.4); c.-118G>A (NM_001377274.1); short protein forms V113I.
Identifiers: ClinVar variation 520506 (VCV000520506.10), dbSNP rs200723629, ClinGen allele CA6481898.

ClinVar aggregate classification (germline): Uncertain significance. Review status: criteria provided, multiple submitters, no conflicts (2 of 4 stars). 3 submissions from 3 submitters: Uncertain significance (3). Last evaluated 2025-12-25.

Conditions:
Primary familial dilated cardiomyopathy (FDC). Also called: Hypokinetic dilated cardiomyopathy, familial; Familial dilated cardiomyopathy. Identifiers: Orphanet 217607, MedGen C0340427, MONDO:0016333.
Cardiovascular phenotype. Identifiers: MedGen CN230736.
Dilated cardiomyopathy 1O (CMD1O). Also called: CARDIOMYOPATHY, DILATED, WITH VENTRICULAR TACHYCARDIA. Identifiers: Orphanet 154, MedGen C1837839, MONDO:0012062, OMIM 608569.

Allele frequency attached by ClinVar (database versions not stated): TOPMed 0.00001; gnomAD exomes 0.00002; gnomAD 0.00003 and 0.00001; ExAC 0.00005; 1000 Genomes Project 0.00040; 1000 Genomes Project 30x 0.00047.
gnomAD v4.1: 50 of 1,614,052 alleles (0.0031%); highest among the groups gnomAD compares: Non-Finnish European, 0.0038%; no homozygotes.

Submissions (3):

Labcorp Genetics (formerly Invitae), Labcorp
Classification: Uncertain significance for Dilated cardiomyopathy 1O. Last evaluated: 2025-12-25. Review status: criteria provided, single submitter. Criteria: Invitae Variant Classification Sherloc (09022015). Collection method: clinical testing. Allele origin: germline.
Comment: This sequence change replaces valine, which is neutral and non-polar, with isoleucine, which is neutral and non-polar, at codon 113 of the ABCC9 protein (p.Val113Ile). This variant is present in population databases (rs200723629, gnomAD 0.007%). This variant has not been reported in the literature in individuals affected with ABCC9-related conditions. ClinVar contains an entry for this variant (Variation ID: 520506). Invitae Evidence Modeling of protein sequence and biophysical properties (such as structural, functional, and spatial information, amino acid conservation, physicochemical variation, residue mobility, and thermodynamic stability) indicates that this missense variant is not expected to disrupt ABCC9 protein function with a negative predictive value of 95%. In summary, the available evidence is currently insufficient to determine the role of this variant in disease. Therefore, it has been classified as a Variant of Uncertain Significance.

Ambry Genetics
Classification: Uncertain significance for Cardiovascular phenotype. Last evaluated: 2025-12-16. Review status: criteria provided, single submitter. Criteria: Ambry Variant Classification Scheme 2023. Collection method: clinical testing. Allele origin: germline.
Comment: The p.V113I variant (also known as c.337G>A), located in coding exon 3 of the ABCC9 gene, results from a G to A substitution at nucleotide position 337. The valine at codon 113 is replaced by isoleucine, an amino acid with highly similar properties. This amino acid position is not well conserved in available vertebrate species. In addition, this alteration is predicted to be tolerated by in silico analysis. Since supporting evidence is limited at this time, the clinical significance of this alteration remains unclear.

Molecular Diagnostic Laboratory for Inherited Cardiovascular Disease, Montreal Heart Institute
Classification: Uncertain significance for Primary familial dilated cardiomyopathy. Last evaluated: 2016-12-05. Review status: criteria provided, single submitter. Criteria: ACMG Guidelines, 2015. Collection method: clinical testing. Allele origin: germline. Affected: yes.